The following is an entry in ClinVar:

ClinVar aggregate classification (germline): Uncertain significance (1 of 4 stars; one submission).

Conditions:
Familial thoracic aortic aneurysm and aortic dissection (TAAD). Also called: Thoracic aortic aneurysms and dissections. Identifiers: Orphanet 91387, MedGen C4707243, MONDO:0019625.

Submission:

Color Diagnostics, LLC DBA Color Health
Classification: Uncertain significance for Familial thoracic aortic aneurysm and aortic dissection. Last evaluated: 2023-07-24. Review status: criteria provided, single submitter. Criteria: ACMG Guidelines, 2015. Collection method: clinical testing. Allele origin: germline.
Comment: This missense variant replaces alanine with valine at codon 1045 of the COL3A1 protein. Computational prediction suggests that this variant may not impact protein structure and function (internally defined REVEL score threshold <= 0.5, PMID: 27666373). To our knowledge, functional studies have not been reported for this variant. This variant has not been reported in individuals affected with COL3A1-related disorders in the literature. This variant has not been identified in the general population by the Genome Aggregation Database (gnomAD). The available evidence is insufficient to determine the role of this variant in disease conclusively. Therefore, this variant is classified as a Variant of Uncertain Significance.

NM_000090.4(COL3A1):c.3134C>T (p.Ala1045Val)

Gene: COL3A1 (collagen type III alpha 1 chain; plus strand). Cytogenetic location: 2q32.2.
Variant type: single nucleotide variant.
Coding change: c.3134C>T on transcript NM_000090.4 (MANE Select); coding-DNA position 3134, C replaced by T.
Protein change: p.Ala1045Val; replaces alanine 1045 with valine.
Molecular consequence: missense variant.
Genome position (GRCh38, 1-based): chr2:189,006,385, C>T. VCF-style: chr2-189006385-C-T. GRCh37 (hg19) VCF-style: chr2-189871111-C-T.
Other names: short protein forms A1045V.
Identifiers: ClinVar variation 2775139 (VCV002775139.2), dbSNP rs2469158157, ClinGen allele CA349845085.